The following is an entry in ClinVar:

ClinVar aggregate classification (germline): Uncertain significance (1 of 4 stars; one submission).

gnomAD v4.1: 1 of 1,614,022 alleles (0.000062%); no homozygotes.

Submission:

Labcorp Genetics (formerly Invitae), Labcorp
Classification: Uncertain significance. Last evaluated: 2024-10-24. Review status: criteria provided, single submitter. Criteria: Invitae Variant Classification Sherloc (09022015). Collection method: clinical testing. Allele origin: germline.
Comment: This sequence change replaces asparagine, which is neutral and polar, with serine, which is neutral and polar, at codon 394 of the RNF213 protein (p.Asn394Ser). This variant is present in population databases (no rsID available, gnomAD 0.003%). This variant has not been reported in the literature in individuals affected with RNF213-related conditions. ClinVar contains an entry for this variant (Variation ID: 1968899). Invitae Evidence Modeling of protein sequence and biophysical properties (such as structural, functional, and spatial information, amino acid conservation, physicochemical variation, residue mobility, and thermodynamic stability) indicates that this missense variant is not expected to disrupt RNF213 protein function with a negative predictive value of 95%. Algorithms developed to predict the effect of sequence changes on RNA splicing suggest that this variant may create or strengthen a splice site. In summary, the available evidence is currently insufficient to determine the role of this variant in disease. Therefore, it has been classified as a Variant of Uncertain Significance.

NM_001256071.3(RNF213):c.1181A>G (p.Asn394Ser)

Gene: RNF213 (ring finger protein 213; plus strand). Cytogenetic location: 17q25.3.
Variant type: single nucleotide variant.
Coding change: c.1181A>G on transcript NM_001256071.3 (MANE Select); coding-DNA position 1181, A replaced by G.
Protein change: p.Asn394Ser; replaces asparagine 394 with serine.
Molecular consequence: missense variant.
Genome position (GRCh38, 1-based): chr17:80,290,638, A>G. VCF-style: chr17-80290638-A-G. GRCh37 (hg19) VCF-style: chr17-78264437-A-G.
Other names: c.1328A>G, p.Asn443Ser (NM_001410195.1, NM_020914.5); c.1181A>G, p.Asn394Ser (NM_020954.4); short protein forms N394S, N443S.
Identifiers: ClinVar variation 1968899 (VCV001968899.5), dbSNP rs1233672047, ClinGen allele CA401370978.